The following is an entry in ClinVar:

NM_000350.3(ABCA4):c.1723A>C (p.Ile575Leu)

Gene: ABCA4 (ATP binding cassette subfamily A member 4; minus strand). Cytogenetic location: 1p22.1.
Variant type: single nucleotide variant.
Coding change: c.1723A>C on transcript NM_000350.3 (MANE Select); coding-DNA position 1723, A replaced by C.
Protein change: p.Ile575Leu; replaces isoleucine 575 with leucine.
Molecular consequence: missense variant.
Genome position (GRCh38, 1-based): chr1:94,063,149, T>G on the plus strand (A>C on the coding strand, the complement: ABCA4 is on the minus strand). VCF-style: chr1-94063149-T-G. GRCh37 (hg19) VCF-style: chr1-94528705-T-G.
Other names: c.1723A>C, p.Ile575Leu (NM_001425324.1); short protein forms I575L.
Identifiers: ClinVar variation 3698370 (VCV003698370.2).

ClinVar aggregate classification (germline): Uncertain significance (1 of 4 stars; one submission).

gnomAD v4.1: 4 of 1,614,196 alleles (0.00025%); highest among the groups gnomAD compares: Admixed American, 0.0067%; no homozygotes.

Submission:

Labcorp Genetics (formerly Invitae), Labcorp
Classification: Uncertain significance. Last evaluated: 2024-09-16. Review status: criteria provided, single submitter. Criteria: Invitae Variant Classification Sherloc (09022015). Collection method: clinical testing. Allele origin: germline.
Comment: This sequence change replaces isoleucine, which is neutral and non-polar, with leucine, which is neutral and non-polar, at codon 575 of the ABCA4 protein (p.Ile575Leu). This variant is present in population databases (no rsID available, gnomAD 0.003%). This variant has not been reported in the literature in individuals affected with ABCA4-related conditions. Invitae Evidence Modeling of protein sequence and biophysical properties (such as structural, functional, and spatial information, amino acid conservation, physicochemical variation, residue mobility, and thermodynamic stability) indicates that this missense variant is expected to disrupt ABCA4 protein function with a positive predictive value of 95%. In summary, the available evidence is currently insufficient to determine the role of this variant in disease. Therefore, it has been classified as a Variant of Uncertain Significance.